The following is an entry in ClinVar:

ClinVar aggregate classification (germline): Uncertain significance (1 of 4 stars; one submission).

Conditions:
Spastic paraplegia. Identifiers: MedGen C0037772, HP:0001258.

Allele frequency attached by ClinVar (database versions not stated): gnomAD exomes 0.00001.
gnomAD v4.1: 5 of 1,613,894 alleles (0.00031%); highest among the groups gnomAD compares: Non-Finnish European, 0.00042%; no homozygotes.

Submission:

Labcorp Genetics (formerly Invitae), Labcorp
Classification: Uncertain significance for Spastic paraplegia. Last evaluated: 2022-07-15. Review status: criteria provided, single submitter. Criteria: Invitae Variant Classification Sherloc (09022015). Collection method: clinical testing. Allele origin: germline.
Comment: In summary, the available evidence is currently insufficient to determine the role of this variant in disease. Therefore, it has been classified as a Variant of Uncertain Significance. Algorithms developed to predict the effect of missense changes on protein structure and function are either unavailable or do not agree on the potential impact of this missense change (SIFT: "Deleterious"; PolyPhen-2: "Probably Damaging"; Align-GVGD: "Class C0"). This variant has not been reported in the literature in individuals affected with AP4E1-related conditions. This variant is not present in population databases (gnomAD no frequency). This sequence change replaces leucine, which is neutral and non-polar, with serine, which is neutral and polar, at codon 192 of the AP4E1 protein (p.Leu192Ser).

NM_007347.5(AP4E1):c.575T>C (p.Leu192Ser)

Gene: AP4E1 (adaptor related protein complex 4 subunit epsilon 1; plus strand). Cytogenetic location: 15q21.2.
Variant type: single nucleotide variant.
Coding change: c.575T>C on transcript NM_007347.5 (MANE Select); coding-DNA position 575, T replaced by C.
Protein change: p.Leu192Ser; replaces leucine 192 with serine.
Molecular consequence: missense variant.
Genome position (GRCh38, 1-based): chr15:50,929,041, T>C. VCF-style: chr15-50929041-T-C. GRCh37 (hg19) VCF-style: chr15-51221238-T-C.
Other names: c.350T>C, p.Leu117Ser (NM_001252127.2); short protein forms L192S, L117S.
Identifiers: ClinVar variation 2044392 (VCV002044392.4), dbSNP rs1008844598, ClinGen allele CA270515553.
Genomic context (GRCh38, chr15:50,929,041, plus strand): 5'-TTGTTTAAATTTCATTTTTTGTCTTCAGGGAGATTGTACGAAGAAAAGCTGTTCTGGCAT[T>C]ATACAAATTCCATCTCATTGCTCCTAATCAAGTACAACATATTCATATTAAGTTTCGGAA-3'
Protein context (NP_031373.2, residues 182-202): EIVRRKAVLA[Leu192Ser]YKFHLIAPNQ